The following is an entry in ClinVar:

ClinVar aggregate classification (germline): Benign/Likely benign. Review status: criteria provided, multiple submitters, no conflicts (2 of 4 stars). 3 submissions from 3 submitters: Benign (1); Likely benign (2). Last evaluated 2025-01-09.

Conditions:
Hereditary cancer-predisposing syndrome. Also called: Hereditary neoplastic syndrome; Hereditary Cancer Syndrome; Neoplastic Syndromes, Hereditary; Tumor predisposition. Identifiers: Orphanet 140162, MedGen C0027672, MeSH D009386, MONDO:0015356.
Familial cancer of breast. Also called: hereditary breast carcinoma; BREAST CANCER, FAMILIAL; Hereditary breast cancer. Identifiers: Orphanet 227535, MedGen C0346153, MONDO:0016419, OMIM 114480. Disease mechanism: loss of function.

Allele frequency attached by ClinVar (database versions not stated): TOPMed 0.00001.

Submissions (3):

Myriad Genetics, Inc.
Classification: Benign for Familial cancer of breast. Last evaluated: 2025-01-09. Review status: criteria provided, single submitter. Criteria: Myriad Autosomal Dominant, Autosomal Recessive and X-Linked Classification Criteria (2023). Collection method: clinical testing. Allele origin: unknown.
Comment: This variant is considered benign. This variant is a silent/synonymous amino acid change and it is not expected to impact splicing.

Ambry Genetics
Classification: Likely benign for Hereditary cancer-predisposing syndrome. Last evaluated: 2019-11-06. Review status: criteria provided, single submitter. Criteria: Ambry Variant Classification Scheme 2023. Collection method: clinical testing. Allele origin: germline.

GeneDx
Classification: Likely benign. Last evaluated: 2017-05-04. Review status: criteria provided, single submitter. Criteria: GeneDx Variant Classification (06012015). Collection method: clinical testing. Allele origin: germline. Affected: yes.
Comment: This variant is considered likely benign or benign based on one or more of the following criteria: it is a conservative change, it occurs at a poorly conserved position in the protein, it is predicted to be benign by multiple in silico algorithms, and/or has population frequency not consistent with disease.

NM_024675.4(PALB2):c.114C>T (p.Ala38=)

Gene: PALB2 (partner and localizer of BRCA2; minus strand). Cytogenetic location: 16p12.2.
Variant type: single nucleotide variant.
Coding change: c.114C>T on transcript NM_024675.4 (MANE Select); coding-DNA position 114, C replaced by T.
Protein change: p.Ala38=; no amino-acid change (alanine 38 retained).
Molecular consequence: synonymous variant.
Genome position (GRCh38, 1-based): chr16:23,637,947, G>A on the plus strand (C>T on the coding strand, the complement: PALB2 is on the minus strand). VCF-style: chr16-23637947-G-A. GRCh37 (hg19) VCF-style: chr16-23649268-G-A.
Identifiers: ClinVar variation 509400 (VCV000509400.6), dbSNP rs1555462085, ClinGen allele CA494167812.